The following is an entry in ClinVar:

ClinVar aggregate classification (germline): Uncertain significance. Review status: criteria provided, multiple submitters, no conflicts (2 of 4 stars). 4 submissions from 4 submitters: Uncertain significance (4). Last evaluated 2025-12-23.

Conditions:
Familial adenomatous polyposis 4 (FAP4). Also called: MSH3-related attenuated familial adenomatous polyposis. Identifiers: Orphanet 480536, MedGen C4310719, MONDO:0044300, OMIM 617100.
Endometrial carcinoma. Also called: Endometrial carcinoma, somatic. Identifiers: MedGen C0476089, MONDO:0002447, OMIM 608089, HP:0012114.
Hereditary cancer-predisposing syndrome. Also called: Hereditary neoplastic syndrome; Neoplastic Syndromes, Hereditary; Hereditary Cancer Syndrome; Tumor predisposition. Identifiers: Orphanet 140162, MedGen C0027672, MeSH D009386, MONDO:0015356.

Allele frequency attached by ClinVar (database versions not stated): gnomAD exomes below 0.00001; TOPMed 0.00001.
gnomAD v4.1: 28 of 1,613,598 alleles (0.0017%); highest among the groups gnomAD compares: Non-Finnish European, 0.0021%; no homozygotes.

Submissions (4):

Labcorp Genetics (formerly Invitae), Labcorp
Classification: Uncertain significance. Last evaluated: 2025-12-23. Review status: criteria provided, single submitter. Criteria: Invitae Variant Classification Sherloc (09022015). Collection method: clinical testing. Allele origin: germline.
Comment: This sequence change replaces cysteine, which is neutral and slightly polar, with glycine, which is neutral and non-polar, at codon 370 of the MSH3 protein (p.Cys370Gly). This variant is present in population databases (rs751866806, gnomAD 0.0009%). This variant has not been reported in the literature in individuals affected with MSH3-related conditions. ClinVar contains an entry for this variant (Variation ID: 657859). An algorithm developed to predict the effect of missense changes on protein structure and function (PolyPhen-2) suggests that this variant is likely to be disruptive. In summary, the available evidence is currently insufficient to determine the role of this variant in disease. Therefore, it has been classified as a Variant of Uncertain Significance.

Ambry Genetics
Classification: Uncertain significance for Hereditary cancer-predisposing syndrome. Last evaluated: 2025-10-30. Review status: criteria provided, single submitter. Criteria: Ambry Variant Classification Scheme 2023. Collection method: clinical testing. Allele origin: germline.
Comment: The p.C370G variant (also known as c.1108T>G), located in coding exon 7 of the MSH3 gene, results from a T to G substitution at nucleotide position 1108. The cysteine at codon 370 is replaced by glycine, an amino acid with highly dissimilar properties. This amino acid position is conserved. In addition, this alteration is predicted to be deleterious by in silico analysis. Based on the available evidence, the clinical significance of this variant remains unclear.

Baylor Genetics
Classification: Uncertain significance for Endometrial carcinoma. Last evaluated: 2023-11-27. Review status: criteria provided, single submitter. Criteria: ACMG Guidelines, 2015. Collection method: clinical testing. Allele origin: unknown.

Department of Pathology and Laboratory Medicine, Sinai Health System
Classification: Uncertain significance for Endometrial carcinoma; Familial adenomatous polyposis 4. Last evaluated: 2022-06-03. Review status: criteria provided, single submitter. Criteria: ACMG Guidelines, 2015. Collection method: clinical testing. Allele origin: germline. Affected: yes.

NM_002439.5(MSH3):c.1108T>G (p.Cys370Gly)

Gene: MSH3 (mutS homolog 3; plus strand). Cytogenetic location: 5q14.1.
Variant type: single nucleotide variant.
Coding change: c.1108T>G on transcript NM_002439.5 (MANE Select); coding-DNA position 1108, T replaced by G.
Protein change: p.Cys370Gly; replaces cysteine 370 with glycine.
Molecular consequence: missense variant.
Genome position (GRCh38, 1-based): chr5:80,675,063, T>G. VCF-style: chr5-80675063-T-G. GRCh37 (hg19) VCF-style: chr5-79970882-T-G.
Other names: short protein forms C370G.
Identifiers: ClinVar variation 657859 (VCV000657859.14), dbSNP rs751866806, ClinGen allele CA121295183.